The following is an entry in ClinVar:

NM_182493.3(MYLK3):c.1501G>A (p.Val501Ile)

Gene: MYLK3 (myosin light chain kinase 3; minus strand). Cytogenetic location: 16q11.2.
Variant type: single nucleotide variant.
Coding change: c.1501G>A on transcript NM_182493.3 (MANE Select); coding-DNA position 1501, G replaced by A.
Protein change: p.Val501Ile; replaces valine 501 with isoleucine.
Molecular consequence: missense variant.
Genome position (GRCh38, 1-based): chr16:46,730,660, C>T on the plus strand (G>A on the coding strand, the complement: MYLK3 is on the minus strand). VCF-style: chr16-46730660-C-T. GRCh37 (hg19) VCF-style: chr16-46764572-C-T.
Other names: c.478G>A, p.Val160Ile (NM_001308301.1); short protein forms V160I, V501I.
Identifiers: ClinVar variation 1513649 (VCV001513649.6), dbSNP rs374009844, ClinGen allele CA8037961.

ClinVar aggregate classification (germline): Uncertain significance (1 of 4 stars; one submission).

Allele frequency attached by ClinVar (database versions not stated): gnomAD exomes 0.00001; ExAC 0.00002; ESP Exome Variant Server 0.00008.
gnomAD v4.1: 10 of 1,613,956 alleles (0.00062%); highest among the groups gnomAD compares: African/African-American, 0.0067%; no homozygotes.

Submission:

Labcorp Genetics (formerly Invitae), Labcorp
Classification: Uncertain significance. Last evaluated: 2026-01-11. Review status: criteria provided, single submitter. Criteria: Invitae Variant Classification Sherloc (09022015). Collection method: clinical testing. Allele origin: germline.
Comment: This sequence change replaces valine, which is neutral and non-polar, with isoleucine, which is neutral and non-polar, at codon 501 of the MYLK3 protein (p.Val501Ile). This variant is present in population databases (rs374009844, gnomAD 0.01%). This variant has not been reported in the literature in individuals affected with MYLK3-related conditions. ClinVar contains an entry for this variant (Variation ID: 1513649). An algorithm developed to predict the effect of missense changes on protein structure and function outputs the following: PolyPhen-2: "Benign". The isoleucine amino acid residue is found in multiple mammalian species, which suggests that this missense change does not adversely affect protein function. In summary, the available evidence is currently insufficient to determine the role of this variant in disease. Therefore, it has been classified as a Variant of Uncertain Significance.